The following is an entry in ClinVar:

ClinVar aggregate classification (germline): Uncertain significance (1 of 4 stars; one submission).

Conditions:
Hereditary sensory and autonomic neuropathy type 6. Also called: HSAN VI; Neuropathy, hereditary sensory and autonomic, type VI. Identifiers: Orphanet 314381, MedGen C3539003, MONDO:0013839, OMIM 614653.
Epidermolysis bullosa simplex 3, localized or generalized intermediate, with BP230 deficiency (EBS3). Also called: Epidermolysis bullosa simplex due to BP230 deficiency; Epidermolysis bullosa simplex, autosomal recessive 2. Identifiers: Orphanet 412181, MedGen C3809470, MONDO:0014180, OMIM 615425.

Allele frequency attached by ClinVar (database versions not stated): gnomAD 0.00001; gnomAD exomes 0.00001; TOPMed 0.00001; ESP Exome Variant Server 0.00008.
gnomAD v4.1: 9 of 1,614,004 alleles (0.00056%); highest among the groups gnomAD compares: Admixed American, 0.0017%; no homozygotes.

Submission:

Labcorp Genetics (formerly Invitae), Labcorp
Classification: Uncertain significance for Epidermolysis bullosa simplex 3, localized or generalized intermediate, with BP230 deficiency; Hereditary sensory and autonomic neuropathy type 6. Last evaluated: 2019-05-31. Review status: criteria provided, single submitter. Criteria: Invitae Variant Classification Sherloc (09022015). Collection method: clinical testing. Allele origin: germline.
Comment: This sequence change replaces arginine with cysteine at codon 593 of the DST protein (p.Arg593Cys). The arginine residue is highly conserved and there is a large physicochemical difference between arginine and cysteine. This variant is not present in population databases (ExAC no frequency). This variant has not been reported in the literature in individuals with DST-related conditions. Algorithms developed to predict the effect of missense changes on protein structure and function (SIFT, PolyPhen-2, Align-GVGD) all suggest that this variant is likely to be disruptive, but these predictions have not been confirmed by published functional studies and their clinical significance is uncertain. In summary, the available evidence is currently insufficient to determine the role of this variant in disease. Therefore, it has been classified as a Variant of Uncertain Significance.

NM_001374736.1(DST):c.3388C>T (p.Arg1130Cys)

Gene: DST (dystonin; minus strand). Cytogenetic location: 6p12.1.
Variant type: single nucleotide variant.
Coding change: c.3388C>T on transcript NM_001374736.1 (MANE Select); coding-DNA position 3388, C replaced by T.
Protein change: p.Arg1130Cys; replaces arginine 1130 with cysteine.
Molecular consequence: missense variant.
Genome position (GRCh38, 1-based): chr6:56,634,568, G>A on the plus strand (C>T on the coding strand, the complement: DST is on the minus strand). VCF-style: chr6-56634568-G-A. GRCh37 (hg19) VCF-style: chr6-56499366-G-A.
Other names: c.3289C>T, p.Arg1097Cys (NM_001144769.5); c.2875C>T, p.Arg959Cys (NM_001144770.2); c.3388C>T, p.Arg1130Cys (NM_001374722.1); c.2755C>T, p.Arg919Cys (NM_001374729.1, NM_001374730.1, NM_001386100.1 and 1 more transcripts); c.3415C>T, p.Arg1139Cys (NM_001374734.1); c.1777C>T, p.Arg593Cys (NM_001723.7, NM_015548.5); short protein forms R1097C, R1139C, R919C, R1130C, R959C, R593C.
Identifiers: ClinVar variation 947832 (VCV000947832.10), dbSNP rs141002593, ClinGen allele CA139217586.